The following is an entry in ClinVar:

ClinVar aggregate classification (germline): Conflicting classifications of pathogenicity. Review status: criteria provided, conflicting classifications (1 of 4 stars). 6 submissions from 6 submitters: Pathogenic (2); Likely pathogenic (3); Uncertain significance (1). Last evaluated 2025-02-04.

Conditions:
DDX3X-related disorder. Also called: DDX3X-related condition.
Intellectual disability, X-linked 102 (MRXSSB). Also called: Intellectual developmental disorder, X-linked syndromic, Snijders Blok type. Identifiers: Orphanet 457260, MedGen C5393299, MONDO:0010497, OMIM 300958.

Submissions (6):

Victorian Clinical Genetics Services, Murdoch Childrens Research Institute
Classification: Pathogenic for Intellectual disability, X-linked 102. Last evaluated: 2025-02-04. Review status: criteria provided, single submitter. Criteria: ACMG Guidelines, 2015. Collection method: clinical testing. Allele origin: germline. Affected: yes.
Comment: This variant is classified as Pathogenic. Evidence in support of pathogenic classification: Variant is absent from gnomAD (v2, v3 and v4); This variant has strong previous evidence of pathogenicity in unrelated individuals. This variant has been classified as pathogenic and likely pathogenic by clinical laboratories in ClinVar, as well as a VUS entry. This variant has also been reported as de novo in at least two unrelated individuals with DDX3X-related symptoms (PMID: 32135084, 38837156); Additional information: Variant is predicted to result in a missense amino acid change from arginine to cysteine; This variant is heterozygous; This gene is associated with X-linked dominant disease. Females may or may not be symptomatic (OMIM); Loss of function is a known mechanism of disease in this gene and is associated with Snijders Blok-type X-linked syndromic intellectual developmental disorder (MIM#300958).

PreventionGenetics, part of Exact Sciences
Classification: Likely pathogenic for DDX3X-related condition. Last evaluated: 2024-12-13. Review status: criteria provided, single submitter. Criteria: ACMG Guidelines, 2015. Collection method: clinical testing. Allele origin: germline.
Comment: The DDX3X c.1582C>T variant is predicted to result in the amino acid substitution p.Arg528Cys. This variant was reported in three individuals with autism and reported de novo in at least one individual with DDX3X syndrome (PreventionGenetics internal data; Wright et al. 2020. PubMed ID: 33149276; Martin et al. 2021. PubMed ID: 33504798; Zhou et al. 2022. PubMed ID: 35982159). This variant has not been reported in a large population database (gnomAD), indicating this variant is rare. This variant is interpreted as likely pathogenic.

GeneDx
Classification: Pathogenic. Last evaluated: 2024-11-25. Review status: criteria provided, single submitter. Criteria: GeneDx Variant Classification Process June 2021. Collection method: clinical testing. Allele origin: germline. Affected: yes.
Comment: Not observed at significant frequency in large population cohorts (gnomAD); In silico analysis supports that this missense variant has a deleterious effect on protein structure/function; This variant is associated with the following publications: (PMID: 32135084, 33692367, 33504798, 33057194, 33149276, 35982159, 33237286)

Labcorp Genetics (formerly Invitae), Labcorp
Classification: Uncertain significance. Last evaluated: 2023-07-13. Review status: criteria provided, single submitter. Criteria: Invitae Variant Classification Sherloc (09022015). Collection method: clinical testing. Allele origin: germline.
Comment: This sequence change replaces arginine, which is basic and polar, with cysteine, which is neutral and slightly polar, at codon 528 of the DDX3X protein (p.Arg528Cys). This variant is not present in population databases (gnomAD no frequency). In summary, the available evidence is currently insufficient to determine the role of this variant in disease. Therefore, it has been classified as a Variant of Uncertain Significance. Experimental studies and prediction algorithms are not available or were not evaluated, and the functional significance of this variant is currently unknown. ClinVar contains an entry for this variant (Variation ID: 421724). This missense change has been observed in individual(s) with DDX3X-related conditions (PMID: 32135084, 33504798). In at least one individual the variant was observed to be de novo.

Broad Center for Mendelian Genomics, Broad Institute of MIT and Harvard
Classification: Likely pathogenic for Intellectual disability, X-linked 102. Last evaluated: 2022-08-25. Review status: criteria provided, single submitter. Criteria: ACMG Guidelines, 2015. Collection method: curation. Allele origin: germline. Inheritance: X-linked inheritance. Affected: yes.
Comment: Trio exome analysis showed this variant to be de novo. The p.Arg528Cys variant in DDX3X was also found to be de novo in 2 individuals with neurodevelopmental disorder (PMID: 32135084, 33504798), and was absent from large population studies. This variant has also been reported in ClinVar (Variation ID#: 421724) and has been interpreted as pathogenic or likely pathogenic by Women's Health and Genetics/Laboratory Corporation of America (LabCorp) and GeneDx. Computational prediction tools and conservation analyses suggest that this variant may impact the protein, though this information is not predictive enough to determine pathogenicity. The number of missense variants reported in DDX3X in the general population is lower than expected, suggesting there is little benign variation in this gene and slightly increasing the possibility that a missense variant in this gene may not be tolerated. In summary, although additional studies are required to fully establish its clinical significance, this variant is likely pathogenic for X-linked neurodevelopmental disorder. ACMG/AMP Criteria applied: PS2_moderate, PP2, PP3_moderate, PM2_supporting, PS4_supporting (Richards 2015).

Women's Health and Genetics/Laboratory Corporation of America, LabCorp
Classification: Likely pathogenic for Intellectual disability, X-linked 102. Last evaluated: 2022-01-25. Review status: criteria provided, single submitter. Criteria: LabCorp Variant Classification Summary - May 2015. Collection method: clinical testing. Allele origin: germline.
Comment: Variant summary: DDX3X c.1582C>T (p.Arg528Cys) results in a non-conservative amino acid change located in the Helicase, C-terminal domain of the encoded protein sequence. Five of five in-silico tools predict a damaging effect of the variant on protein function. The variant was absent in 180053 control chromosomes. The available data on variant occurrences in the general population are insufficient to allow any conclusion about variant significance. c.1582C>T has been reported in the literature in one individual affected with X-Linked Intellectual Disability 102 at de novo status (Lennox_2020). At least one publication reports experimental evidence evaluating an impact on protein function and showed that this variant resulted in decreased RNA interaction (Porter_2021). One clinical diagnostic laboratory has submitted clinical-significance assessments for this variant to ClinVar after 2014 without evidence for independent evaluation and classified the variant as pathogenic. Based on the evidence outlined above, the variant was classified as likely pathogenic.

Literature cited by the submitters: PubMed 32135084 (cited by Labcorp Genetics (formerly Invitae), Labcorp and Women's Health and Genetics/Laboratory Corporation of America, LabCorp); PubMed 33504798 (cited by Labcorp Genetics (formerly Invitae), Labcorp); PubMed 33692367 (cited by Women's Health and Genetics/Laboratory Corporation of America, LabCorp).

NM_001356.5(DDX3X):c.1582C>T (p.Arg528Cys)

Gene: DDX3X (DEAD-box helicase 3 X-linked; plus strand). Cytogenetic location: Xp11.4.
Variant type: single nucleotide variant.
Coding change: c.1582C>T on transcript NM_001356.5 (MANE Select); coding-DNA position 1582, C replaced by T.
Protein change: p.Arg528Cys; replaces arginine 528 with cysteine.
Molecular consequence: missense variant. On other transcripts: non-coding transcript variant (1).
Genome position (GRCh38, 1-based): chrX:41,346,589, C>T. VCF-style: chrX-41346589-C-T. GRCh37 (hg19) VCF-style: chrX-41205842-C-T.
Other names: NM_001356.5(DDX3X):c.1582C>T; p.Arg528Cys; c.1582C>T, p.Arg528Cys (NM_001193416.3); c.1534C>T, p.Arg512Cys (NM_001193417.3); c.1024C>T, p.Arg342Cys (NM_001363819.1); c.1582C>T (NM_001193416.2); short protein forms R528C, R342C, R512C.
Identifiers: ClinVar variation 421724 (VCV000421724.11), dbSNP rs1064795323, ClinGen allele CA16621392.